The following is an entry in ClinVar:

ClinVar aggregate classification (germline): Uncertain significance (1 of 4 stars; one submission).

gnomAD v4.1: 15 of 1,613,658 alleles (0.00093%); highest among the groups gnomAD compares: East Asian, 0.0022%; no homozygotes.

Submission:

Labcorp Genetics (formerly Invitae), Labcorp
Classification: Uncertain significance. Last evaluated: 2025-12-24. Review status: criteria provided, single submitter. Criteria: Invitae Variant Classification Sherloc (09022015). Collection method: clinical testing. Allele origin: germline.
Comment: This sequence change replaces tyrosine, which is neutral and polar, with cysteine, which is neutral and slightly polar, at codon 1069 of the ALPK1 protein (p.Tyr1069Cys). This variant is present in population databases (no rsID available, gnomAD 0.006%). This variant has not been reported in the literature in individuals affected with ALPK1-related conditions. Invitae Evidence Modeling of protein sequence and biophysical properties (such as structural, functional, and spatial information, amino acid conservation, physicochemical variation, residue mobility, and thermodynamic stability) indicates that this missense variant is expected to disrupt ALPK1 protein function with a positive predictive value of 80%. In summary, the available evidence is currently insufficient to determine the role of this variant in disease. Therefore, it has been classified as a Variant of Uncertain Significance.

NM_025144.4(ALPK1):c.3206A>G (p.Tyr1069Cys)

Gene: ALPK1 (alpha kinase 1; plus strand). Cytogenetic location: 4q25.
Variant type: single nucleotide variant.
Coding change: c.3206A>G on transcript NM_025144.4 (MANE Select); coding-DNA position 3206, A replaced by G.
Protein change: p.Tyr1069Cys; replaces tyrosine 1069 with cysteine.
Molecular consequence: missense variant.
Genome position (GRCh38, 1-based): chr4:112,438,501, A>G. VCF-style: chr4-112438501-A-G. GRCh37 (hg19) VCF-style: chr4-113359657-A-G.
Other names: c.3206A>G, p.Tyr1069Cys (NM_001102406.2); c.2972A>G, p.Tyr991Cys (NM_001253884.2); short protein forms Y1069C, Y991C.
Identifiers: ClinVar variation 4808695 (VCV004808695.1).